The following is an entry in ClinVar:

ClinVar aggregate classification (germline): Likely benign (1 of 4 stars; one submission).

Allele frequency attached by ClinVar (database versions not stated): ExAC 0.00002.
gnomAD v4.1: 8 of 1,614,166 alleles (0.0005%); highest among the groups gnomAD compares: South Asian, 0.0088%; 1 homozygote.

Submission:

CeGaT Center for Human Genetics Tuebingen
Classification: Likely benign. Last evaluated: 2023-12-01. Review status: criteria provided, single submitter. Criteria: CeGaT Center For Human Genetics Tuebingen Variant Classification Criteria Version 2. Collection method: clinical testing. Allele origin: germline. Affected: yes. Observed: 1 variant allele.
Comment: MACF1: BP4

NM_001394062.1(MACF1):c.19084G>A (p.Val6362Ile)

Gene: MACF1 (microtubule actin crosslinking factor 1; plus strand). Cytogenetic location: 1p34.3.
Variant type: single nucleotide variant.
Coding change: c.19084G>A on transcript NM_001394062.1 (MANE Select); coding-DNA position 19084, G replaced by A.
Protein change: p.Val6362Ile; replaces valine 6362 with isoleucine.
Molecular consequence: missense variant.
Genome position (GRCh38, 1-based): chr1:39,442,547, G>A. VCF-style: chr1-39442547-G-A. GRCh37 (hg19) VCF-style: chr1-39908219-G-A.
Other names: c.7162G>A, p.Val2388Ile (NM_001397473.1); c.12907G>A, p.Val4303Ile (NM_012090.5); short protein forms V2388I, V4303I, V6362I.
Identifiers: ClinVar variation 3026168 (VCV003026168.22), dbSNP rs776149127, ClinGen allele CA784036.
Genomic context (GRCh38, chr1:39,442,547, plus strand): 5'-CATACCGAAGAGTTGTTAGATGCTCAGAGACCAATAAGTGGAGACCCAAAAGTCATTGAA[G>A]TTGAGCTCGCAAAGCACCATGTAAGTATTTTCATTTTTTCATCTCTAACCCTATTGATTT-3'
Protein context (NP_001380991.1, residues 6352-6372): PISGDPKVIE[Val6362Ile]ELAKHHVLKN